The following is an entry in ClinVar:

ClinVar aggregate classification (germline): Likely benign (1 of 4 stars; one submission).

gnomAD v4.1: 290 of 1,245,306 alleles (0.023%); highest among the groups gnomAD compares: Middle Eastern, 0.44%; 1 homozygote.

Submission:

CeGaT Center for Human Genetics Tuebingen
Classification: Likely benign. Last evaluated: 2025-10-01. Review status: criteria provided, single submitter. Criteria: CeGaT Center For Human Genetics Tuebingen Variant Classification Criteria Version 2. Collection method: clinical testing. Allele origin: germline. Affected: yes. Observed: 1 variant allele.
Comment: OXR1: BP4, BP7

NM_001198533.2(OXR1):c.221-21065G>C

Gene: OXR1 (oxidation resistance 1; plus strand). Cytogenetic location: 8q23.1.
Variant type: single nucleotide variant.
Coding change: c.221-21065G>C on transcript NM_001198533.2 (MANE Select); 21065 bases into the intron before coding-DNA position 221, G replaced by C.
Molecular consequence: intron variant. On other transcripts: synonymous variant (1).
Genome position (GRCh38, 1-based): chr8:106,658,145, G>C. VCF-style: chr8-106658145-G-C. GRCh37 (hg19) VCF-style: chr8-107670373-G-C.
Other names: c.159G>C, p.Pro53= (NM_181354.4); c.221-21065G>C (NM_018002.3); c.224-21065G>C (NM_001198532.1).
Identifiers: ClinVar variation 4533691 (VCV004533691.6).